The following is an entry in ClinVar:

NM_152594.3(SPRED1):c.922T>C (p.Ser308Pro)

Gene: SPRED1 (sprouty related EVH1 domain containing 1; plus strand). Cytogenetic location: 15q14.
Variant type: single nucleotide variant.
Coding change: c.922T>C on transcript NM_152594.3 (MANE Select); coding-DNA position 922, T replaced by C.
Protein change: p.Ser308Pro; replaces serine 308 with proline.
Molecular consequence: missense variant.
Genome position (GRCh38, 1-based): chr15:38,351,251, T>C. VCF-style: chr15-38351251-T-C. GRCh37 (hg19) VCF-style: chr15-38643452-T-C.
Other names: short protein forms S308P.
Identifiers: ClinVar variation 3961364 (VCV003961364.1).

ClinVar aggregate classification (germline): Uncertain significance (1 of 4 stars; one submission).

Conditions:
Cardiovascular phenotype. Identifiers: MedGen CN230736.

Submission:

Ambry Genetics
Classification: Uncertain significance for Cardiovascular phenotype. Last evaluated: 2025-03-22. Review status: criteria provided, single submitter. Criteria: Ambry Variant Classification Scheme 2023. Collection method: clinical testing. Allele origin: germline.
Comment: The p.S308P variant (also known as c.922T>C), located in coding exon 7 of the SPRED1 gene, results from a T to C substitution at nucleotide position 922. The serine at codon 308 is replaced by proline, an amino acid with similar properties. This amino acid position is conserved. In addition, the in silico prediction for this alteration is inconclusive. Based on the available evidence, the clinical significance of this variant remains unclear.